The following is an entry in ClinVar:

NM_000179.3(MSH6):c.1971G>C (p.Gln657His)

Gene: MSH6 (mutS homolog 6; plus strand). Cytogenetic location: 2p16.3.
Variant type: single nucleotide variant.
Coding change: c.1971G>C on transcript NM_000179.3 (MANE Select); coding-DNA position 1971, G replaced by C.
Protein change: p.Gln657His; replaces glutamine 657 with histidine.
Molecular consequence: missense variant.
Genome position (GRCh38, 1-based): chr2:47,799,954, G>C. VCF-style: chr2-47799954-G-C. GRCh37 (hg19) VCF-style: chr2-48027093-G-C.
Other names: c.1581G>C, p.Gln527His (NM_001281492.2); c.1065G>C, p.Gln355His (NM_001281493.2, NM_001281494.2); short protein forms Q657H, Q355H, Q527H.
Identifiers: ClinVar variation 479971 (VCV000479971.20), dbSNP rs1553413339, ClinGen allele CA346750604.
Genomic context (GRCh38, chr2:47,799,954, plus strand): 5'-CCTTGAGGAAGAATATTTTAGGGAAAAGCTAAGTGATGGCATTGGGGTGATGTTACCCCA[G>C]GTGCTTAAAGGTATGACTTCAGAGTCTGATTCCATTGGGTTGACACCAGGAGAGAAAAGT-3'
Protein context (NP_000170.1, residues 647-667): LSDGIGVMLP[Gln657His]VLKGMTSESD

ClinVar aggregate classification (germline): Conflicting classifications of pathogenicity. Review status: criteria provided, conflicting classifications (1 of 4 stars). 4 submissions from 4 submitters: Uncertain significance (3); Likely benign (1). Last evaluated 2026-08-25.

Conditions:
Hereditary nonpolyposis colorectal neoplasms. Identifiers: MedGen C0009405, MeSH D003123.
Breast and/or ovarian cancer. Identifiers: MedGen CN221562.
Hereditary cancer-predisposing syndrome. Also called: Neoplastic Syndromes, Hereditary; Hereditary neoplastic syndrome; Hereditary Cancer Syndrome; Tumor predisposition. Identifiers: Orphanet 140162, MedGen C0027672, MeSH D009386, MONDO:0015356.
Lynch syndrome. Identifiers: Orphanet 144, MedGen C4552100, MONDO:0005835. Disease mechanism: loss of function.

Allele frequency attached by ClinVar (database versions not stated): gnomAD exomes below 0.00001.
gnomAD v4.1: 3 of 1,614,108 alleles (0.00019%); highest among the groups gnomAD compares: Admixed American, 0.0017%; no homozygotes.

Submissions (4):

Ambry Genetics
Classification: Likely benign for Hereditary cancer-predisposing syndrome. Last evaluated: 2026-08-25. Review status: criteria provided, single submitter. Criteria: Ambry Variant Classification Scheme 2023. Collection method: clinical testing. Allele origin: germline.

Labcorp Genetics (formerly Invitae), Labcorp
Classification: Uncertain significance for Hereditary nonpolyposis colorectal neoplasms. Last evaluated: 2025-08-31. Review status: criteria provided, single submitter. Criteria: Invitae Variant Classification Sherloc (09022015). Collection method: clinical testing. Allele origin: germline.
Comment: This sequence change replaces glutamine, which is neutral and polar, with histidine, which is basic and polar, at codon 657 of the MSH6 protein (p.Gln657His). This variant is not present in population databases (gnomAD no frequency). This variant has not been reported in the literature in individuals affected with MSH6-related conditions. ClinVar contains an entry for this variant (Variation ID: 479971). Invitae Evidence Modeling of protein sequence and biophysical properties (such as structural, functional, and spatial information, amino acid conservation, physicochemical variation, residue mobility, and thermodynamic stability) indicates that this missense variant is not expected to disrupt MSH6 protein function with a negative predictive value of 95%. In summary, the available evidence is currently insufficient to determine the role of this variant in disease. Therefore, it has been classified as a Variant of Uncertain Significance.

All of Us Research Program, National Institutes of Health
Classification: Uncertain significance for Lynch syndrome. Last evaluated: 2023-03-28. Review status: criteria provided, single submitter. Criteria: ACMG Guidelines, 2015. Collection method: clinical testing. Allele origin: germline. Inheritance: Autosomal dominant inheritance. Observed: 1 variant allele, 1 heterozygote.
Comment: This study involves interpretation of variants in research participants for the purpose of population health screening. Participant phenotype was not available at the time of variant classification. Additional details can be found in publication PMID: 35346344, PMCID: PMC8962531

CHEO Genetics Diagnostic Laboratory, Children's Hospital of Eastern Ontario
Classification: Uncertain significance for Breast and/or ovarian cancer. Last evaluated: 2022-12-30. Review status: criteria provided, single submitter. Criteria: ACMG Guidelines, 2015. Collection method: clinical testing. Allele origin: germline.